The following is an entry in ClinVar:

ClinVar aggregate classification (germline): Uncertain significance (1 of 4 stars; one submission).

Conditions:
MHC class II deficiency. Also called: BLS, TYPE II; Bare lymphocyte syndrome 2. Identifiers: Orphanet 572, MedGen C5447452, MONDO:0008855.

Allele frequency attached by ClinVar (database versions not stated): gnomAD exomes below 0.00001.
gnomAD v4.1: 1 of 1,614,198 alleles (0.000062%); highest among the groups gnomAD compares: East Asian, 0.0022%; no homozygotes.

Submission:

Labcorp Genetics (formerly Invitae), Labcorp
Classification: Uncertain significance for MHC class II deficiency. Last evaluated: 2021-11-11. Review status: criteria provided, single submitter. Criteria: Invitae Variant Classification Sherloc (09022015). Collection method: clinical testing. Allele origin: germline.
Comment: This sequence change replaces proline, which is neutral and non-polar, with alanine, which is neutral and non-polar, at codon 919 of the CIITA protein (p.Pro919Ala). This variant is present in population databases (no rsID available, gnomAD 0.006%). This variant has not been reported in the literature in individuals affected with CIITA-related conditions. Algorithms developed to predict the effect of missense changes on protein structure and function (SIFT, PolyPhen-2, Align-GVGD) all suggest that this variant is likely to be disruptive. In summary, the available evidence is currently insufficient to determine the role of this variant in disease. Therefore, it has been classified as a Variant of Uncertain Significance.

NM_000246.4(CIITA):c.2755C>G (p.Pro919Ala)

Gene: CIITA (class II major histocompatibility complex transactivator; plus strand). Cytogenetic location: 16p13.13.
Variant type: single nucleotide variant.
Coding change: c.2755C>G on transcript NM_000246.4 (MANE Select); coding-DNA position 2755, C replaced by G.
Protein change: p.Pro919Ala; replaces proline 919 with alanine.
Molecular consequence: missense variant.
Genome position (GRCh38, 1-based): chr16:10,909,126, C>G. VCF-style: chr16-10909126-C-G. GRCh37 (hg19) VCF-style: chr16-11002983-C-G.
Other names: c.2758C>G, p.Pro920Ala (NM_001286402.1, NM_001379332.1); c.1003C>G, p.Pro335Ala (NM_001286403.2); c.2611C>G, p.Pro871Ala (NM_001379330.1); c.2608C>G, p.Pro870Ala (NM_001379331.1); c.2755C>G, p.Pro919Ala (NM_001379333.1); c.2686C>G, p.Pro896Ala (NM_001379334.1); short protein forms P335A, P870A, P919A, P920A, P871A, P896A.
Identifiers: ClinVar variation 1372607 (VCV001372607.6), dbSNP rs1302154334, ClinGen allele CA394734972.
Genomic context (GRCh38, chr16:10,909,126, plus strand): 5'-CTGCAGCAGCATGGGGAGACCAAGCTACTTCAGGCAGCAGAGGAGAAGTTCACCATCGAG[C>G]CTTTCAAAGCCAAGTCCCTGAAGGATGTGGAAGACCTGGGAAAGCTTGTGCAGACTCAGA-3'
Protein context (NP_000237.2, residues 909-929): QAAEEKFTIE[Pro919Ala]FKAKSLKDVE